The following is an entry in ClinVar:

NM_001009944.3(PKD1):c.7700A>G (p.Asn2567Ser)

Gene: PKD1 (polycystin 1, transient receptor potential channel interacting; minus strand). Cytogenetic location: 16p13.3.
Variant type: single nucleotide variant.
Coding change: c.7700A>G on transcript NM_001009944.3 (MANE Select); coding-DNA position 7700, A replaced by G.
Protein change: p.Asn2567Ser; replaces asparagine 2567 with serine.
Molecular consequence: missense variant.
Genome position (GRCh38, 1-based): chr16:2,106,094, T>C on the plus strand (A>G on the coding strand, the complement: PKD1 is on the minus strand). VCF-style: chr16-2106094-T-C. GRCh37 (hg19) VCF-style: chr16-2156095-T-C.
Other names: c.7700A>G, p.Asn2567Ser (NM_000296.4); short protein forms N2567S.
Identifiers: ClinVar variation 3730914 (VCV003730914.2).

ClinVar aggregate classification (germline): Uncertain significance (1 of 4 stars; one submission).

Submission:

GeneDx
Classification: Uncertain significance. Last evaluated: 2025-03-26. Review status: criteria provided, single submitter. Criteria: GeneDx Variant Classification Process June 2021. Collection method: clinical testing. Allele origin: germline.
Comment: Not observed at significant frequency in large population cohorts (gnomAD); In silico analysis supports that this missense variant has a deleterious effect on protein structure/function; Has not been previously published as pathogenic or benign to our knowledge